The following is an entry in ClinVar:

ClinVar aggregate classification (germline): Uncertain significance (1 of 4 stars; one submission).

Conditions:
Leukocyte adhesion deficiency type II. Also called: CONGENITAL DISORDER OF GLYCOSYLATION, TYPE IIc; Congenital disorder of glycosylation type 2C; CDG 2C; Leukocyte adhesion deficiency type 2; Rambam Hasharon syndrome; CDG IIc. Identifiers: Orphanet 2968, Orphanet 99843, MedGen C0398739, MONDO:0009953, OMIM 266265.

Submission:

Labcorp Genetics (formerly Invitae), Labcorp
Classification: Uncertain significance for Congenital disorder of glycosylation type 2C. Last evaluated: 2019-03-18. Review status: criteria provided, single submitter. Criteria: Invitae Variant Classification Sherloc (09022015). Collection method: clinical testing. Allele origin: germline.
Comment: This sequence change replaces glycine with glutamic acid at codon 285 of the SLC35C1 protein (p.Gly285Glu). The glycine residue is highly conserved and there is a moderate physicochemical difference between glycine and glutamic acid. This variant is not present in population databases (ExAC no frequency). This variant has not been reported in the literature in individuals with SLC35C1-related conditions. Algorithms developed to predict the effect of missense changes on protein structure and function are either unavailable or do not agree on the potential impact of this missense change (SIFT: "Deleterious"; PolyPhen-2: "Probably Damaging"; Align-GVGD: "Class C15"). In summary, the available evidence is currently insufficient to determine the role of this variant in disease. Therefore, it has been classified as a Variant of Uncertain Significance.

NM_018389.5(SLC35C1):c.854G>A (p.Gly285Glu)

Gene: SLC35C1 (solute carrier family 35 member C1; plus strand). Cytogenetic location: 11p11.2.
Variant type: single nucleotide variant.
Coding change: c.854G>A on transcript NM_018389.5 (MANE Select); coding-DNA position 854, G replaced by A.
Protein change: p.Gly285Glu; replaces glycine 285 with glutamic acid.
Molecular consequence: missense variant.
Genome position (GRCh38, 1-based): chr11:45,811,094, G>A. VCF-style: chr11-45811094-G-A. GRCh37 (hg19) VCF-style: chr11-45832645-G-A.
Other names: c.815G>A, p.Gly272Glu (NM_001145265.2, NM_001145266.2); short protein forms G272E, G285E.
Identifiers: ClinVar variation 840619 (VCV000840619.1), dbSNP rs1377122884, ClinGen allele CA380206432.